The following is an entry in ClinVar:

NM_020778.5(ALPK3):c.3764A>G (p.Glu1255Gly)

Gene: ALPK3 (alpha kinase 3; plus strand). Cytogenetic location: 15q25.3.
Variant type: single nucleotide variant.
Coding change: c.3764A>G on transcript NM_020778.5 (MANE Select); coding-DNA position 3764, A replaced by G.
Protein change: p.Glu1255Gly; replaces glutamic acid 1255 with glycine.
Molecular consequence: missense variant.
Genome position (GRCh38, 1-based): chr15:84,858,502, A>G. VCF-style: chr15-84858502-A-G. GRCh37 (hg19) VCF-style: chr15-85401733-A-G.
Other names: short protein forms E1255G.
Identifiers: ClinVar variation 3687766 (VCV003687766.2).

ClinVar aggregate classification (germline): Uncertain significance (1 of 4 stars; one submission).

Submission:

Labcorp Genetics (formerly Invitae), Labcorp
Classification: Uncertain significance. Last evaluated: 2024-05-15. Review status: criteria provided, single submitter. Criteria: Invitae Variant Classification Sherloc (09022015). Collection method: clinical testing. Allele origin: germline.
Comment: This sequence change replaces glutamic acid, which is acidic and polar, with glycine, which is neutral and non-polar, at codon 1457 of the ALPK3 protein (p.Glu1457Gly). This variant is not present in population databases (gnomAD no frequency). This variant has not been reported in the literature in individuals affected with ALPK3-related conditions. Advanced modeling of protein sequence and biophysical properties (such as structural, functional, and spatial information, amino acid conservation, physicochemical variation, residue mobility, and thermodynamic stability) performed at Invitae indicates that this missense variant is expected to disrupt ALPK3 protein function with a positive predictive value of 80%. In summary, the available evidence is currently insufficient to determine the role of this variant in disease. Therefore, it has been classified as a Variant of Uncertain Significance.